The following is an entry in ClinVar:

NM_002499.4(NEO1):c.2943C>T (p.Ser981=)

Gene: NEO1 (neogenin 1; plus strand). Cytogenetic location: 15q24.1.
Variant type: single nucleotide variant.
Coding change: c.2943C>T on transcript NM_002499.4 (MANE Select); coding-DNA position 2943, C replaced by T.
Protein change: p.Ser981=; no amino-acid change (serine 981 retained).
Molecular consequence: synonymous variant.
Genome position (GRCh38, 1-based): chr15:73,272,540, C>T. VCF-style: chr15-73272540-C-T. GRCh37 (hg19) VCF-style: chr15-73564881-C-T.
Other names: c.2943C>T, p.Ser981= (NM_001172623.2, NM_001172624.2); c.3003C>T, p.Ser1001= (NM_001419531.1).
Identifiers: ClinVar variation 3060149 (VCV003060149.2), dbSNP rs1131854, ClinGen allele CA7648343.

ClinVar aggregate classification (germline): Benign (0 of 4 stars; one submission).

Conditions:
NEO1-related disorder. Also called: NEO1-related condition.

Allele frequency attached by ClinVar (database versions not stated): 1000 Genomes Project 30x 0.35884; 1000 Genomes Project 0.36062; TOPMed 0.41022; ESP Exome Variant Server 0.41186; ExAC 0.47322; gnomAD exomes 0.50972.
gnomAD v4.1: 805,085 of 1,610,558 alleles (50%); highest among the groups gnomAD compares: Admixed American, 55%; 207,507 homozygotes.

Submission:

PreventionGenetics, part of Exact Sciences
Classification: Benign for NEO1-related condition. Last evaluated: 2019-10-17. Review status: no assertion criteria provided. Collection method: clinical testing. Allele origin: germline.
Comment: This variant is classified as benign based on ACMG/AMP sequence variant interpretation guidelines (Richards et al. 2015 PMID: 25741868, with internal and published modifications).